The following is an entry in ClinVar:

ClinVar aggregate classification (germline): Pathogenic (1 of 4 stars; one submission).

Conditions:
Leber congenital amaurosis 1 (LCA1). Also called: RETINAL BLINDNESS, CONGENITAL; Congenital absence of the rods and cones; Leber's congenital tapetoretinal degeneration; Leber's congenital tapetoretinal dysplasia; AMAUROSIS CONGENITA OF LEBER I. Identifiers: Orphanet 65, MedGen C2931258, MONDO:0008764, OMIM 204000.
Cone-rod dystrophy 6 (CORD6). Also called: RETINAL CONE DYSTROPHY 2; Cone dystrophy progressive. Identifiers: Orphanet 1872, MedGen C1866293, MONDO:0011143, OMIM 601777.

Submission:

Labcorp Genetics (formerly Invitae), Labcorp
Classification: Pathogenic for Leber congenital amaurosis 1; Cone-rod dystrophy 6. Last evaluated: 2025-04-19. Review status: criteria provided, single submitter. Criteria: Invitae Variant Classification Sherloc (09022015). Collection method: clinical testing. Allele origin: germline.
Comment: This sequence change creates a premature translational stop signal (p.Ala117Glyfs*202) in the GUCY2D gene. It is expected to result in an absent or disrupted protein product. Loss-of-function variants in GUCY2D are known to be pathogenic (PMID: 10951519, 11328726). This variant is not present in population databases (gnomAD no frequency). This variant has not been reported in the literature in individuals affected with GUCY2D-related conditions. For these reasons, this variant has been classified as Pathogenic.

Literature cited by the submitters: PubMed 10951519; PubMed 11328726.

NM_000180.4(GUCY2D):c.349dup (p.Ala117fs)

Gene: GUCY2D (guanylate cyclase 2D, retinal; plus strand). Cytogenetic location: 17p13.1.
Variant type: Duplication.
Coding change: c.349dup on transcript NM_000180.4 (MANE Select); coding-DNA position 349, one base duplicated (G; older notation c.349dupG).
Protein change: p.Ala117fs; shifts the reading frame from alanine 117.
Molecular consequence: frameshift variant.
Genome position (GRCh38, 1-based): chr17:8,003,396, G duplicated. VCF-style (leftmost placement, unchanged base first): chr17-8003395-C-CG. GRCh37 (hg19) VCF-style: chr17-7906713-C-CG.
Other names: short protein forms A117fs.
Identifiers: ClinVar variation 4784769 (VCV004784769.1).